The following is an entry in ClinVar:

ClinVar aggregate classification (germline): Uncertain significance (1 of 4 stars; one submission).

Conditions:
Cranioectodermal dysplasia 2 (CED2). Identifiers: Orphanet 1515, MedGen C3150874, MONDO:0013323, OMIM 613610.
Short-rib thoracic dysplasia 7 with or without polydactyly (SRTD7). Also called: Short rib polydactyly syndrome 5; SHORT-RIB THORACIC DYSPLASIA 7 WITH POLYDACTYLY. Identifiers: Orphanet 498497, Orphanet 93271, MedGen C3279792, MONDO:0013569, OMIM 614091.

Submission:

Labcorp Genetics (formerly Invitae), Labcorp
Classification: Uncertain significance for Cranioectodermal dysplasia 2; Short rib polydactyly syndrome 5. Last evaluated: 2019-11-18. Review status: criteria provided, single submitter. Criteria: Invitae Variant Classification Sherloc (09022015). Collection method: clinical testing. Allele origin: germline.
Comment: This sequence change falls in intron 5 of the WDR35 gene. It does not directly change the encoded amino acid sequence of the WDR35 protein, but it affects a nucleotide within the consensus splice site of the intron. This variant is not present in population databases (ExAC no frequency). This variant has not been reported in the literature in individuals with WDR35-related conditions. Nucleotide substitutions within the consensus splice site are a relatively common cause of aberrant splicing (PMID: 17576681, 9536098). Algorithms developed to predict the effect of sequence changes on RNA splicing suggest that this variant may disrupt the consensus splice site, but this prediction has not been confirmed by published transcriptional studies. In summary, the available evidence is currently insufficient to determine the role of this variant in disease. Therefore, it has been classified as a Variant of Uncertain Significance.

NM_020779.4(WDR35):c.436+4A>G

Gene: WDR35 (WD repeat domain 35; minus strand). Cytogenetic location: 2p24.1.
Variant type: single nucleotide variant.
Coding change: c.436+4A>G on transcript NM_020779.4 (MANE Select); 4 bases into the intron after coding-DNA position 436, A replaced by G.
Molecular consequence: intron variant.
Genome position (GRCh38, 1-based): chr2:19,978,747, T>C on the plus strand (A>G on the coding strand, the complement: WDR35 is on the minus strand). VCF-style: chr2-19978747-T-C. GRCh37 (hg19) VCF-style: chr2-20178508-T-C.
Other names: c.436+4A>G (NM_001006657.2).
Identifiers: ClinVar variation 953328 (VCV000953328.1), dbSNP rs1672290200, ClinGen allele CA1139656768.